The following is an entry in ClinVar:

ClinVar aggregate classification (germline): Uncertain significance. Review status: criteria provided, multiple submitters, no conflicts (2 of 4 stars). 2 submissions from 2 submitters: Uncertain significance (2). Last evaluated 2022-08-23.

Allele frequency attached by ClinVar (database versions not stated): gnomAD exomes below 0.00001; TOPMed below 0.00001.
gnomAD v4.1: 13 of 1,599,754 alleles (0.00081%); highest among the groups gnomAD compares: East Asian, 0.011%; 1 homozygote.

Submissions (2):

Labcorp Genetics (formerly Invitae), Labcorp
Classification: Uncertain significance. Last evaluated: 2022-08-23. Review status: criteria provided, single submitter. Criteria: Invitae Variant Classification Sherloc (09022015). Collection method: clinical testing. Allele origin: germline.
Comment: This sequence change replaces arginine, which is basic and polar, with tryptophan, which is neutral and slightly polar, at codon 213 of the KCNV2 protein (p.Arg213Trp). The frequency data for this variant in the population databases is considered unreliable, as metrics indicate poor data quality at this position in the gnomAD database. This variant has not been reported in the literature in individuals affected with KCNV2-related conditions. ClinVar contains an entry for this variant (Variation ID: 1037471). Advanced modeling of protein sequence and biophysical properties (such as structural, functional, and spatial information, amino acid conservation, physicochemical variation, residue mobility, and thermodynamic stability) performed at Invitae indicates that this missense variant is not expected to disrupt KCNV2 protein function. In summary, the available evidence is currently insufficient to determine the role of this variant in disease. Therefore, it has been classified as a Variant of Uncertain Significance.

Blueprint Genetics
Classification: Uncertain significance. Last evaluated: 2022-01-13. Review status: criteria provided, single submitter. Criteria: ACMG Guidelines, 2015. Collection method: clinical testing. Allele origin: germline.

NM_133497.4(KCNV2):c.637C>T (p.Arg213Trp)

Gene: KCNV2 (potassium voltage-gated channel modifier subfamily V member 2; plus strand). Cytogenetic location: 9p24.2.
Variant type: single nucleotide variant.
Coding change: c.637C>T on transcript NM_133497.4 (MANE Select); coding-DNA position 637, C replaced by T.
Protein change: p.Arg213Trp; replaces arginine 213 with tryptophan.
Molecular consequence: missense variant.
Genome position (GRCh38, 1-based): chr9:2,718,376, C>T. VCF-style: chr9-2718376-C-T. GRCh37 (hg19) VCF-style: chr9-2718376-C-T.
Other names: short protein forms R213W.
Identifiers: ClinVar variation 1037471 (VCV001037471.9), dbSNP rs747313869, ClinGen allele CA4965546.
Genomic context (GRCh38, chr9:2,718,376, plus strand): 5'-AAGTACACGCCACGCTGCTGCCGCATCTGCTTCGAGGAGCGGCGCGACGAGCTGAGCGAA[C>T]GGCTCAAGATCCAGCACGAGCTGCGCGCGCAGGCGCAGGTCGAGGAGGCGGAGGAACTCT-3'
Protein context (NP_598004.1, residues 203-223): FEERRDELSE[Arg213Trp]LKIQHELRAQ